The following is an entry in ClinVar:

ClinVar aggregate classification (germline): Uncertain significance (1 of 4 stars; one submission).

Conditions:
POLD1-related polyposis and colorectal cancer syndrome (CRCS10). Also called: Colorectal cancer 10; COLORECTAL CANCER, SUSCEPTIBILITY TO, ON CHROMOSOME 19q; Colorectal cancer, susceptibility to, 10. Identifiers: Orphanet 220460, MedGen C2675481, MONDO:0012953, OMIM 612591.

Allele frequency attached by ClinVar (database versions not stated): gnomAD exomes below 0.00001; TOPMed below 0.00001.
gnomAD v4.1: 2 of 1,613,756 alleles (0.00012%); highest among the groups gnomAD compares: Non-Finnish European, 0.00017%; no homozygotes.

Submission:

Labcorp Genetics (formerly Invitae), Labcorp
Classification: Uncertain significance for POLD1-related polyposis and colorectal cancer syndrome. Last evaluated: 2022-08-03. Review status: criteria provided, single submitter. Criteria: Invitae Variant Classification Sherloc (09022015). Collection method: clinical testing. Allele origin: germline.
Comment: This sequence change replaces alanine, which is neutral and non-polar, with valine, which is neutral and non-polar, at codon 186 of the POLD1 protein (p.Ala186Val). In summary, the available evidence is currently insufficient to determine the role of this variant in disease. Therefore, it has been classified as a Variant of Uncertain Significance. Algorithms developed to predict the effect of missense changes on protein structure and function (SIFT, PolyPhen-2, Align-GVGD) all suggest that this variant is likely to be tolerated. ClinVar contains an entry for this variant (Variation ID: 935125). This variant has not been reported in the literature in individuals affected with POLD1-related conditions. This variant is not present in population databases (gnomAD no frequency).

NM_002691.4(POLD1):c.557C>T (p.Ala186Val)

Gene: POLD1 (DNA polymerase delta 1, catalytic subunit; plus strand). Cytogenetic location: 19q13.33.
Variant type: single nucleotide variant.
Coding change: c.557C>T on transcript NM_002691.4 (MANE Select); coding-DNA position 557, C replaced by T.
Protein change: p.Ala186Val; replaces alanine 186 with valine.
Molecular consequence: missense variant. On other transcripts: non-coding transcript variant (1).
Genome position (GRCh38, 1-based): chr19:50,402,092, C>T. VCF-style: chr19-50402092-C-T. GRCh37 (hg19) VCF-style: chr19-50905349-C-T.
Other names: c.557C>T, p.Ala186Val (NM_001256849.1, NM_001308632.1); short protein forms A186V.
Identifiers: ClinVar variation 935125 (VCV000935125.9), dbSNP rs2038664735, ClinGen allele CA406973350.